The following is an entry in ClinVar:

ClinVar aggregate classification (germline): Uncertain significance. Review status: criteria provided, multiple submitters, no conflicts (2 of 4 stars). 3 submissions from 3 submitters: Uncertain significance (3). Last evaluated 2025-08-26.

Conditions:
Inborn genetic diseases. Identifiers: MedGen C0950123, MeSH D030342.

Allele frequency attached by ClinVar (database versions not stated): TOPMed 0.00001; gnomAD exomes 0.00004 and 0.00008; ExAC 0.00005; gnomAD 0.00006 and 0.00007; ESP Exome Variant Server 0.00008; 1000 Genomes Project 30x 0.00031; 1000 Genomes Project 0.00040.
gnomAD v4.1: 67 of 1,614,176 alleles (0.0042%); highest among the groups gnomAD compares: South Asian, 0.0077%; no homozygotes.

Submissions (3):

Ambry Genetics
Classification: Uncertain significance for Inborn genetic diseases. Last evaluated: 2025-08-26. Review status: criteria provided, single submitter. Criteria: Ambry Variant Classification Scheme 2023. Collection method: clinical testing. Allele origin: germline.

Blueprint Genetics
Classification: Uncertain significance. Last evaluated: 2024-08-13. Review status: criteria provided, single submitter. Criteria: ACMG Guidelines, 2015. Collection method: clinical testing. Allele origin: germline.

Labcorp Genetics (formerly Invitae), Labcorp
Classification: Uncertain significance. Last evaluated: 2022-08-16. Review status: criteria provided, single submitter. Criteria: Invitae Variant Classification Sherloc (09022015). Collection method: clinical testing. Allele origin: germline.
Comment: This sequence change replaces valine, which is neutral and non-polar, with methionine, which is neutral and non-polar, at codon 248 of the ABCA4 protein (p.Val248Met). This variant is present in population databases (rs200719724, gnomAD 0.07%). This variant has not been reported in the literature in individuals affected with ABCA4-related conditions. ClinVar contains an entry for this variant (Variation ID: 1516567). Algorithms developed to predict the effect of missense changes on protein structure and function are either unavailable or do not agree on the potential impact of this missense change (SIFT: "Deleterious"; PolyPhen-2: "Possibly Damaging"; Align-GVGD: "Class C0"). In summary, the available evidence is currently insufficient to determine the role of this variant in disease. Therefore, it has been classified as a Variant of Uncertain Significance.

NM_000350.3(ABCA4):c.742G>A (p.Val248Met)

Gene: ABCA4 (ATP binding cassette subfamily A member 4; minus strand). Cytogenetic location: 1p22.1.
Variant type: single nucleotide variant.
Coding change: c.742G>A on transcript NM_000350.3 (MANE Select); coding-DNA position 742, G replaced by A.
Protein change: p.Val248Met; replaces valine 248 with methionine.
Molecular consequence: missense variant.
Genome position (GRCh38, 1-based): chr1:94,098,820, C>T on the plus strand (G>A on the coding strand, the complement: ABCA4 is on the minus strand). VCF-style: chr1-94098820-C-T. GRCh37 (hg19) VCF-style: chr1-94564376-C-T.
Other names: c.742G>A, p.Val248Met (NM_001425324.1); c.742G>A (NM_000350.2); short protein forms V248M.
Identifiers: ClinVar variation 1516567 (VCV001516567.5), dbSNP rs200719724, ClinGen allele CA958755.